The following is an entry in ClinVar:

ClinVar aggregate classification (germline): Conflicting classifications of pathogenicity. Review status: criteria provided, conflicting classifications (1 of 4 stars). 7 submissions from 7 submitters: Uncertain significance (1); Benign (1); Likely benign (5). Last evaluated 2026-02-02.

Conditions:
Hereditary spastic paraplegia 30. Identifiers: Orphanet 101010, MedGen C5235139, MONDO:0012476.
KIF1A-related disorder. Also called: KIF1A-related disorders; KIF1A-related condition.
Neuropathy, hereditary sensory, type 2C. Also called: Hereditary sensory and autonomic neuropathy type IIC; KIF1A-Related HSAN2 (HSAN2C). Identifiers: Orphanet 970, MedGen C3280168, MONDO:0013634, OMIM 614213.
Intellectual disability, autosomal dominant 9 (NESCAVS). Also called: NESCAV SYNDROME; KIF1A-Related Neurodevelopmental Disorder. Identifiers: Orphanet 662367, MedGen C5393830, MONDO:0013656, OMIM 614255.

Allele frequency attached by ClinVar (database versions not stated): ESP Exome Variant Server 0.00008; gnomAD 0.00014 and 0.00021; gnomAD exomes 0.00023 and 0.00044; TOPMed 0.00030; ExAC 0.00043; 1000 Genomes Project 30x 0.00156; 1000 Genomes Project 0.00160.
gnomAD v4.1: 373 of 1,613,538 alleles (0.023%); highest among the groups gnomAD compares: East Asian, 0.65%; 2 homozygotes.

Submissions (7):

Labcorp Genetics (formerly Invitae), Labcorp
Classification: Benign for Hereditary spastic paraplegia 30; Neuropathy, hereditary sensory, type 2C; Intellectual disability, autosomal dominant 9. Last evaluated: 2026-02-02. Review status: criteria provided, single submitter. Criteria: Invitae Variant Classification Sherloc (09022015). Collection method: clinical testing. Allele origin: germline.

PreventionGenetics, part of Exact Sciences
Classification: Likely benign for KIF1A-related condition. Last evaluated: 2024-10-07. Review status: criteria provided, single submitter. Criteria: ACMG Guidelines, 2015. Collection method: clinical testing. Allele origin: germline.
Comment: This variant is classified as likely benign based on ACMG/AMP sequence variant interpretation guidelines (Richards et al. 2015 PMID: 25741868, with internal and published modifications).

CeGaT Center for Human Genetics Tuebingen
Classification: Likely benign. Last evaluated: 2024-08-01. Review status: criteria provided, single submitter. Criteria: CeGaT Center For Human Genetics Tuebingen Variant Classification Criteria Version 2. Collection method: clinical testing. Allele origin: germline. Affected: yes. Observed: 1 variant allele.
Comment: KIF1A: BP4, BP7

Blueprint Genetics
Classification: Likely benign. Last evaluated: 2024-06-24. Review status: criteria provided, single submitter. Criteria: ACMG Guidelines, 2015. Collection method: clinical testing. Allele origin: germline.

GeneDx
Classification: Likely benign. Last evaluated: 2019-08-30. Review status: criteria provided, single submitter. Criteria: GeneDx Variant Classification Process June 2021. Collection method: clinical testing. Allele origin: germline. Affected: yes.

Illumina Laboratory Services, Illumina
Classification: Uncertain significance for Spastic paraplegia 30A, autosomal dominant. Last evaluated: 2018-01-12. Review status: criteria provided, single submitter. Criteria: ICSL Variant Classification Criteria 13 December 2019. Collection method: clinical testing. Allele origin: germline.

Genetic Services Laboratory, University of Chicago
Classification: Likely benign. Last evaluated: 2016-12-15. Review status: criteria provided, single submitter. Criteria: ACMG Guidelines, 2015. Collection method: clinical testing. Allele origin: germline. Affected: no.

NM_001244008.2(KIF1A):c.258T>C (p.Phe86=)

Gene: KIF1A (kinesin family member 1A; minus strand). Cytogenetic location: 2q37.3.
Variant type: single nucleotide variant.
Coding change: c.258T>C on transcript NM_001244008.2 (MANE Select); coding-DNA position 258, T replaced by C.
Protein change: p.Phe86=; no amino-acid change (phenylalanine 86 retained).
Molecular consequence: synonymous variant.
Genome position (GRCh38, 1-based): chr2:240,788,156, A>G on the plus strand (T>C on the coding strand, the complement: KIF1A is on the minus strand). VCF-style: chr2-240788156-A-G. GRCh37 (hg19) VCF-style: chr2-241727573-A-G.
Other names: c.258T>C (NM_001244008.1); c.258T>C, p.Phe86= (NM_001320705.2, NM_001330289.2, NM_001330290.2 and 20 more transcripts).
Identifiers: ClinVar variation 382122 (VCV000382122.37), dbSNP rs183284555, ClinGen allele CA2208842.